The following is an entry in ClinVar:

ClinVar aggregate classification (germline): Uncertain significance. Review status: criteria provided, multiple submitters, no conflicts (2 of 4 stars). 2 submissions from 2 submitters: Uncertain significance (2). Last evaluated 2026-01-05.

Allele frequency attached by ClinVar (database versions not stated): ExAC 0.00020; gnomAD 0.00030 and 0.00027; gnomAD exomes 0.00012 and 0.00015; TOPMed 0.00027; 1000 Genomes Project 30x 0.00031; 1000 Genomes Project 0.00020; ESP Exome Variant Server 0.00054.

Submissions (2):

GeneDx
Classification: Uncertain significance. Last evaluated: 2026-01-05. Review status: criteria provided, single submitter. Criteria: GeneDx Variant Classification Process June 2021. Collection method: clinical testing. Allele origin: germline.
Comment: In silico analysis suggests that this missense variant does not alter protein structure/function; Has not been previously published as pathogenic or benign to our knowledge

Labcorp Genetics (formerly Invitae), Labcorp
Classification: Uncertain significance. Last evaluated: 2022-07-29. Review status: criteria provided, single submitter. Criteria: Invitae Variant Classification Sherloc (09022015). Collection method: clinical testing. Allele origin: germline.
Comment: This sequence change replaces arginine, which is basic and polar, with histidine, which is basic and polar, at codon 209 of the INPPL1 protein (p.Arg209His). This variant is present in population databases (rs113909227, gnomAD 0.08%). This variant has not been reported in the literature in individuals affected with INPPL1-related conditions. ClinVar contains an entry for this variant (Variation ID: 1045913). Algorithms developed to predict the effect of missense changes on protein structure and function are either unavailable or do not agree on the potential impact of this missense change (SIFT: "Tolerated"; PolyPhen-2: "Possibly Damaging"; Align-GVGD: "Class C0"). In summary, the available evidence is currently insufficient to determine the role of this variant in disease. Therefore, it has been classified as a Variant of Uncertain Significance.

NM_001567.4(INPPL1):c.626G>A (p.Arg209His)

Gene: INPPL1 (inositol polyphosphate phosphatase like 1; plus strand). Cytogenetic location: 11q13.4.
Variant type: single nucleotide variant.
Coding change: c.626G>A on transcript NM_001567.4 (MANE Select); coding-DNA position 626, G replaced by A.
Protein change: p.Arg209His; replaces arginine 209 with histidine.
Molecular consequence: missense variant.
Genome position (GRCh38, 1-based): chr11:72,229,197, G>A. VCF-style: chr11-72229197-G-A. GRCh37 (hg19) VCF-style: chr11-71940241-G-A.
Other names: c.626G>A (NM_001567.3); short protein forms R209H.
Identifiers: ClinVar variation 1045913 (VCV001045913.6), dbSNP rs113909227, ClinGen allele CA6169718.